The following is an entry in ClinVar:

NM_000065.5(C6):c.1967G>A (p.Arg656Gln)

Gene: C6 (complement C6; minus strand). Cytogenetic location: 5p13.1.
Variant type: single nucleotide variant.
Coding change: c.1967G>A on transcript NM_000065.5 (MANE Select); coding-DNA position 1967, G replaced by A.
Protein change: p.Arg656Gln; replaces arginine 656 with glutamine.
Molecular consequence: missense variant.
Genome position (GRCh38, 1-based): chr5:41,158,675, C>T on the plus strand (G>A on the coding strand, the complement: C6 is on the minus strand). VCF-style: chr5-41158675-C-T. GRCh37 (hg19) VCF-style: chr5-41158777-C-T.
Other names: c.1967G>A, p.Arg656Gln (NM_001115131.4); short protein forms R656Q.
Identifiers: ClinVar variation 1328223 (VCV001328223.6), dbSNP rs144666796, ClinGen allele CA3252264.

ClinVar aggregate classification (germline): Uncertain significance. Review status: criteria provided, multiple submitters, no conflicts (2 of 4 stars). 4 submissions from 4 submitters: Uncertain significance (2). 2 of the submissions do not count toward it. Last evaluated 2024-11-23.

Allele frequency attached by ClinVar (database versions not stated): TOPMed 0.00063; gnomAD exomes 0.00073 and 0.00079; gnomAD 0.00080 and 0.00082; ESP Exome Variant Server 0.00085; ExAC 0.00091.

Submissions (4):

Blueprint Genetics
Classification: Uncertain significance. Last evaluated: 2024-11-23. Review status: criteria provided, single submitter. Criteria: ACMG Guidelines, 2015. Collection method: clinical testing. Allele origin: germline.

Labcorp Genetics (formerly Invitae), Labcorp
Classification: Uncertain significance. Last evaluated: 2022-11-01. Review status: criteria provided, single submitter. Criteria: Invitae Variant Classification Sherloc (09022015). Collection method: clinical testing. Allele origin: germline.
Comment: This sequence change replaces arginine, which is basic and polar, with glutamine, which is neutral and polar, at codon 656 of the C6 protein (p.Arg656Gln). This variant is present in population databases (rs144666796, gnomAD 0.1%), and has an allele count higher than expected for a pathogenic variant. This variant has not been reported in the literature in individuals affected with C6-related conditions. ClinVar contains an entry for this variant (Variation ID: 1328223). Algorithms developed to predict the effect of missense changes on protein structure and function are either unavailable or do not agree on the potential impact of this missense change (SIFT: "Tolerated"; PolyPhen-2: "Possibly Damaging"; Align-GVGD: "Class C0"). Algorithms developed to predict the effect of sequence changes on RNA splicing suggest that this variant may disrupt the consensus splice site. In summary, the available evidence is currently insufficient to determine the role of this variant in disease. Therefore, it has been classified as a Variant of Uncertain Significance.

Clinical Genetics DNA and cytogenetics Diagnostics Lab, Erasmus MC, Erasmus Medical Center
Classification: Uncertain significance. Review status: no assertion criteria provided. Collection method: clinical testing. Allele origin: germline. Affected: yes. Study: VKGL Data-share Consensus. Not counted in ClinVar's aggregate classification.

Diagnostic Laboratory, Department of Genetics, University Medical Center Groningen
Classification: Uncertain significance. Review status: no assertion criteria provided. Collection method: clinical testing. Allele origin: germline. Affected: yes. Study: VKGL Data-share Consensus. Not counted in ClinVar's aggregate classification.